The following is an entry in ClinVar:

ClinVar aggregate classification (germline): Uncertain significance. Review status: criteria provided, multiple submitters, no conflicts (2 of 4 stars). 3 submissions from 3 submitters: Uncertain significance (3). Last evaluated 2024-04-15.

Conditions:
Exostoses, multiple, type 2 (EXT2). Also called: EXOSTOSES, MULTIPLE, TYPE II; Hereditary Multiple Osteochondromatosis, Type II. Identifiers: Orphanet 321, MedGen C1851413, MONDO:0007586, OMIM 133701.
Inborn genetic diseases. Identifiers: MedGen C0950123, MeSH D030342.

Allele frequency attached by ClinVar (database versions not stated): ExAC 0.00001; gnomAD exomes 0.00004.
gnomAD v4.1: 66 of 1,614,022 alleles (0.0041%); highest among the groups gnomAD compares: Non-Finnish European, 0.0054%; no homozygotes.

Submissions (3):

Ambry Genetics
Classification: Uncertain significance for Inborn genetic diseases. Last evaluated: 2024-04-15. Review status: criteria provided, single submitter. Criteria: Ambry Variant Classification Scheme 2023. Collection method: clinical testing. Allele origin: germline.

Labcorp Genetics (formerly Invitae), Labcorp
Classification: Uncertain significance for Exostoses, multiple, type 2. Last evaluated: 2024-04-03. Review status: criteria provided, single submitter. Criteria: Invitae Variant Classification Sherloc (09022015). Collection method: clinical testing. Allele origin: germline.
Comment: This sequence change replaces glutamic acid, which is acidic and polar, with lysine, which is basic and polar, at codon 528 of the EXT2 protein (p.Glu528Lys). This variant is present in population databases (rs761890554, gnomAD 0.004%). This variant has not been reported in the literature in individuals affected with EXT2-related conditions. Advanced modeling of protein sequence and biophysical properties (such as structural, functional, and spatial information, amino acid conservation, physicochemical variation, residue mobility, and thermodynamic stability) performed at Invitae indicates that this missense variant is expected to disrupt EXT2 protein function with a positive predictive value of 80%. In summary, the available evidence is currently insufficient to determine the role of this variant in disease. Therefore, it has been classified as a Variant of Uncertain Significance.

Baylor Genetics
Classification: Uncertain significance for Exostoses, multiple, type 2. Last evaluated: 2023-07-28. Review status: criteria provided, single submitter. Criteria: ACMG Guidelines, 2015. Collection method: clinical testing. Allele origin: unknown.

NM_207122.2(EXT2):c.1582G>A (p.Glu528Lys)

Gene: EXT2 (exostosin glycosyltransferase 2; plus strand). Cytogenetic location: 11p11.2.
Variant type: single nucleotide variant.
Coding change: c.1582G>A on transcript NM_207122.2 (MANE Select); coding-DNA position 1582, G replaced by A.
Protein change: p.Glu528Lys; replaces glutamic acid 528 with lysine.
Molecular consequence: missense variant.
Genome position (GRCh38, 1-based): chr11:44,206,879, G>A. VCF-style: chr11-44206879-G-A. GRCh37 (hg19) VCF-style: chr11-44228429-G-A.
Other names: c.1681G>A, p.Glu561Lys (NM_000401.3); c.1612G>A, p.Glu538Lys (NM_001178083.3); c.1582G>A, p.Glu528Lys (NM_001389628.1, NM_001389630.1); short protein forms E528K, E538K, E561K.
Identifiers: ClinVar variation 2675211 (VCV002675211.4), dbSNP rs761890554, ClinGen allele CA5955298.